The following is an entry in ClinVar:

NM_024996.7(GFM1):c.1765-2_1765-1del

Gene: GFM1 (G elongation factor mitochondrial 1; plus strand). Cytogenetic location: 3q25.32.
Variant type: Deletion.
Coding change: c.1765-2_1765-1del on transcript NM_024996.7 (MANE Select); the canonical splice acceptor site of the intron before coding-DNA position 1765, 2 bases deleted (AG; older notation c.1765-2_1765-1delAG).
Molecular consequence: splice acceptor variant.
Genome position (GRCh38, 1-based): chr3:158,684,522-158,684,523, AG deleted. VCF-style (leftmost placement, unchanged base first): chr3-158684521-CAG-C. GRCh37 (hg19) VCF-style: chr3-158402310-CAG-C.
Other names: c.1822-2_1822-1del (NM_001308164.2); c.1540-2_1540-1del (NM_001374357.1); c.1684-2_1684-1del (NM_001374355.1); c.1648-2_1648-1del (NM_001374356.1); c.1198-2_1198-1del (NM_001374359.1, NM_001374360.1); c.1081-2_1081-1del (NM_001374361.1); c.1306-2_1306-1del (NM_001374358.1); c.1765-2_1765-1delAG (NM_024996.5).
Identifiers: ClinVar variation 951478 (VCV000951478.16), dbSNP rs1245712932, ClinGen allele CA547389594.

ClinVar aggregate classification (germline): Pathogenic. Review status: criteria provided, multiple submitters, no conflicts (2 of 4 stars). 6 submissions from 6 submitters: Pathogenic (6). Last evaluated 2025-12-25.

Conditions:
Hepatoencephalopathy due to combined oxidative phosphorylation defect type 1. Also called: HEPATOENCEPHALOPATHY, EARLY FATAL PROGRESSIVE. Identifiers: Orphanet 137681, MedGen C1836797, MONDO:0012191, OMIM 609060.

Allele frequency attached by ClinVar (database versions not stated): gnomAD exomes below 0.00001 and 0.00003.

Submissions (6):

Natera, Inc.
Classification: Pathogenic for Combined oxidative phosphorylation deficiency 1. Last evaluated: 2025-12-25. Review status: criteria provided, single submitter. Criteria: Natera Variant Classification Schema (03/2026). Collection method: clinical testing. Allele origin: germline.
Comment: The c.1765-2_1765-1delAG variant in GFM1 is a canonical splice acceptor site variant predicted to affect pre-mRNA splicing, which may result in an abnormal transcript and altered protein product. This variant is expected to result in nonsense mediated decay, truncation, or a dysfunctional protein product. This variant is rare in the general population with a frequency below the threshold expected for the associated phenotype(s). This variant has been observed in one or more individuals affected with the associated recessive disease, as either homozygous or compound heterozygous with a second variant (PMID: 16632485, 33176815). Given the available evidence, this variant is classified as Pathogenic.

Fulgent Genetics
Classification: Pathogenic for Hepatoencephalopathy due to combined oxidative phosphorylation defect type 1. Last evaluated: 2024-04-15. Review status: criteria provided, single submitter. Criteria: ACMG Guidelines, 2015. Collection method: clinical testing. Allele origin: germline.

Baylor Genetics
Classification: Pathogenic for Hepatoencephalopathy due to combined oxidative phosphorylation defect type 1. Last evaluated: 2024-02-11. Review status: criteria provided, single submitter. Criteria: ACMG Guidelines, 2015. Collection method: clinical testing. Allele origin: unknown.

Women's Health and Genetics/Laboratory Corporation of America, LabCorp
Classification: Pathogenic for Hepatoencephalopathy due to combined oxidative phosphorylation defect type 1. Last evaluated: 2023-04-18. Review status: criteria provided, single submitter. Criteria: LabCorp Variant Classification Summary - May 2015. Collection method: clinical testing. Allele origin: germline.
Comment: Variant summary: GFM1 c.1765-2_1765-1delAG is located in a canonical splice-site and is predicted to affect mRNA splicing resulting in a significantly altered protein due to either exon skipping, shortening, or inclusion of intronic material. Several computational tools predict a significant impact on normal splicing: Three predict the variant abolishes a canonical 3' acceptor site. At least one publication reports experimental evidence that this variant affects mRNA splicing, resulting in skipping of exon 15 and a premature stop codon (Antonicka_2006). The variant allele was found at a frequency of 4e-06 in 251216 control chromosomes. c.1765-2_1765-1delAG has been reported in the literature in compound heterozygous individuals affected with Combined Oxidative Phosphorylation Deficiency 1 (Antonicka_2006, Lin_2020, You_2020). These data indicate that the variant is likely to be associated with disease. Three submitters have provided clinical-significance assessments for this variant to ClinVar after 2014, and classified the variant as pathogenic. Based on the evidence outlined above, the variant was classified as pathogenic.

Labcorp Genetics (formerly Invitae), Labcorp
Classification: Pathogenic. Last evaluated: 2023-04-06. Review status: criteria provided, single submitter. Criteria: Invitae Variant Classification Sherloc (09022015). Collection method: clinical testing. Allele origin: germline.
Comment: This sequence change affects a splice site in intron 14 of the GFM1 gene. RNA analysis indicates that disruption of this splice site induces altered splicing and may result in an absent or disrupted protein product. This variant is present in population databases (no rsID available, gnomAD 0.0009%). Disruption of this splice site has been observed in individual(s) with combined oxidative phosphorylation deficiency (PMID: 16632485). This variant is also known as 1872-2delAG. ClinVar contains an entry for this variant (Variation ID: 951478). Studies have shown that disruption of this splice site results in skipping of exon 15 and introduces a premature termination codon (PMID: 16632485). The resulting mRNA is expected to undergo nonsense-mediated decay. For these reasons, this variant has been classified as Pathogenic.

Juno Genomics, Hangzhou Juno Genomics, Inc
Classification: Pathogenic for Hepatoencephalopathy due to combined oxidative phosphorylation defect type 1. Review status: criteria provided, single submitter. Criteria: ACMG Guidelines, 2015. Collection method: clinical testing. Allele origin: germline. Affected: yes.
Comment: Absent from controls (or at extremely low frequency if recessive) in Genome Aggregation Database.;Null variant in a gene where loss of function (LOF) is a known mechanism of disease.;For recessive disorders, detected in trans with a pathogenic variant.

Literature cited by the submitters: PubMed 16632485 (cited by 3 submitters); PubMed 33176815 (cited by Natera, Inc. and Women's Health and Genetics/Laboratory Corporation of America, LabCorp); PubMed 32776492 (cited by Women's Health and Genetics/Laboratory Corporation of America, LabCorp).